The following is an entry in ClinVar:

ClinVar aggregate classification (germline): Uncertain significance. Review status: criteria provided, multiple submitters, no conflicts (2 of 4 stars). 2 submissions from 2 submitters: Uncertain significance (2). Last evaluated 2026-06-30.

Conditions:
Inborn genetic diseases. Identifiers: MedGen C0950123, MeSH D030342.
Ectodermal dysplasia 14, hair/tooth type with or without hypohidrosis. Identifiers: Orphanet 685067, MedGen C4748560, MONDO:0032584, OMIM 618180.

gnomAD v4.1: 8 of 1,613,986 alleles (0.0005%); highest among the groups gnomAD compares: African/African-American, 0.0027%; no homozygotes.

Submissions (2):

Lupski Lab, Baylor-Hopkins CMG, Baylor College of Medicine
Classification: Uncertain significance for Ectodermal dysplasia 14, hair/tooth type with or without hypohidrosis. Last evaluated: 2026-06-30. Review status: criteria provided, single submitter. Criteria: ACMG Guidelines, 2015. Collection method: research. Allele origin: maternal, germline. Inheritance: Autosomal recessive inheritance. Affected: yes and no. Observed: 5 variant alleles, 1 heterozygote, 4 compound heterozygotes. Clinical features observed: Muscle weakness (HP:0001324), Hypoesthesia (HP:0033748), Paresthesia (HP:0003401), Decreased lacrimation (HP:0000633), Hyperpigmentation of the skin (HP:0000953), Dry skin (HP:0000958), Thin skin (HP:0000963), Sparse eyebrow (HP:0045075), Sparse eyelashes (HP:0000653), Fine hair (HP:0002213), Brittle hair (HP:0002299), Thin fingernail (HP:0012742), and 29 more. Segregation with disease observed.
Comment: This c.1327C>T variant is observed in compound heterozygous state in two siblings with Ectodermal Dysplasia 14 (PP1_Supporting= +1pt). This variant is confirmed in trans with a likely Pathogenic variant (PM3_Supporting= +1pt). It is at extremely low frequency in gnomAD (PM2_Supporting= +1pt). Computational prediction tools support a deleterious effect on the gene (Aggregated score: 0.726) (PP3_Supporting= +1pt). The variant is located in exon 8, within the EAR repeat region of TSPEAR (exons 7–12), which has been reported to be enriched for missense variants and relatively intolerant to variation based on sub-RVIS scoring (PMID:34042254) (PM1_Supporting= +1pt). 5 pts (PP1 +1, PM3 +1, PM2 +1, PP3 +1, PM1 +1).

Ambry Genetics
Classification: Uncertain significance for Inborn genetic diseases. Last evaluated: 2024-10-20. Review status: criteria provided, single submitter. Criteria: Ambry Variant Classification Scheme 2023. Collection method: clinical testing. Allele origin: germline.

NM_144991.3(TSPEAR):c.1327C>T (p.His443Tyr)

Gene: TSPEAR (thrombospondin type laminin G domain and EAR repeats; minus strand). Cytogenetic location: 21q22.3.
Variant type: single nucleotide variant.
Coding change: c.1327C>T on transcript NM_144991.3 (MANE Select); coding-DNA position 1327, C replaced by T.
Protein change: p.His443Tyr; replaces histidine 443 with tyrosine.
Molecular consequence: missense variant.
Genome position (GRCh38, 1-based): chr21:44,525,662, G>A on the plus strand (C>T on the coding strand, the complement: TSPEAR is on the minus strand). VCF-style: chr21-44525662-G-A. GRCh37 (hg19) VCF-style: chr21-45945545-G-A.
Other names: c.1123C>T, p.His375Tyr (NM_001272037.2); short protein forms H375Y, H443Y.
Identifiers: ClinVar variation 3462980 (VCV003462980.2).